The following is an entry in ClinVar:

NM_007294.4(BRCA1):c.5332+1_5332+7del

Gene: BRCA1 (BRCA1 DNA repair associated; minus strand). Cytogenetic location: 17q21.31.
Variant type: Deletion.
Coding change: c.5332+1_5332+7del on transcript NM_007294.4 (MANE Select); the canonical splice donor site of the intron after coding-DNA position 5332 through 7 bases into the intron after coding-DNA position 5332, 7 bases deleted (GTAAGAG; older notation c.5332+1_5332+7delGTAAGAG).
Molecular consequence: splice donor variant. On other transcripts: intron variant (2).
Genome position (GRCh38, 1-based): chr17:43,051,056-43,051,062, CTCTTAC deleted on the plus strand (GTAAGAG on the coding strand, the reverse complement: BRCA1 is on the minus strand); deleting any 7 consecutive bases within chr17:43,051,056-43,051,064 gives the same sequence; the c. name uses the placement nearest the transcript's 3' end. VCF-style (leftmost placement, unchanged base first): chr17-43051055-GCTCTTAC-G. GRCh37 (hg19) VCF-style: chr17-41203072-GCTCTTAC-G.
Other names: c.5206+1_5206+7del (NM_001407678.1, NM_001407673.1, NM_001407674.1 and 10 more transcripts); c.5209+1_5209+7del (NM_001407666.1, NM_001407937.1, NM_001407669.1 and 5 more transcripts); c.1906+1_1906+7del (NM_001408418.1, NM_001408420.1, NM_001408419.1); c.2020+1_2020+7del (NM_001407981.1, NM_007298.4, NM_001407986.1 and 12 more transcripts); c.2023+1_2023+7del (NM_001407978.1, NM_001407977.1, NM_001407976.1 and 3 more transcripts); c.5326+1_5326+7del (NM_001407639.1, NM_001407630.1, NM_001407633.1 and 14 more transcripts); c.5329+1_5329+7del (NM_001407859.1, NM_001407620.1, NM_001407623.1 and 17 more transcripts); c.5332+1_5332+7del (NM_001407597.1, NM_001407605.1, NM_001407594.1 and 6 more transcripts); and 74 more.
Identifiers: ClinVar variation 4714204 (VCV004714204.1).
Genomic context (GRCh38, chr17:43,051,055, plus strand): 5'-GCTTATAATACTCCACTATGTAAGACAAAGGCTGGTGCTGGAACTCTGGGGTTCTCCCAG[GCTCTTAC>G]CTGTGGGCATGTTGGTGAAGGGCCCATAGCAACAGATTTCTAGCCCCCTGAAGATCTGGA-3'

ClinVar aggregate classification (germline): Likely pathogenic (1 of 4 stars; one submission).

Conditions:
Hereditary breast ovarian cancer syndrome. Also called: BRCA1- and BRCA2-Associated Hereditary Breast and Ovarian Cancer; Breast and ovarian cancer; Hereditary breast and ovarian cancer syndrome; Hereditary breast and ovarian cancer syndrome (HBOC); Hereditary breast and/or ovarian cancer syndrome; Hereditary breast and ovarian cancer. Identifiers: Orphanet 145, MedGen C0677776, MeSH D061325, MONDO:0003582. Disease mechanism: loss of function.

Submission:

Labcorp Genetics (formerly Invitae), Labcorp
Classification: Likely pathogenic for Hereditary breast ovarian cancer syndrome. Last evaluated: 2025-03-03. Review status: criteria provided, single submitter. Criteria: Invitae Variant Classification Sherloc (09022015). Collection method: clinical testing. Allele origin: germline.
Comment: This sequence change affects a splice site in intron 20 of the BRCA1 gene. It is expected to disrupt RNA splicing. Variants that disrupt the donor or acceptor splice site typically lead to a loss of protein function (PMID: 16199547), and loss-of-function variants in BRCA1 are known to be pathogenic (PMID: 20104584). This variant is not present in population databases (gnomAD no frequency). This variant has not been reported in the literature in individuals affected with BRCA1-related conditions. Algorithms developed to predict the effect of sequence changes on RNA splicing suggest that this variant may disrupt the consensus splice site. In summary, the currently available evidence indicates that the variant is pathogenic, but additional data are needed to prove that conclusively. Therefore, this variant has been classified as Likely Pathogenic.

Literature cited by the submitters: PubMed 16199547; PubMed 20104584.